The following is an entry in ClinVar:

ClinVar aggregate classification (germline): Uncertain significance. Review status: criteria provided, multiple submitters, no conflicts (2 of 4 stars). 2 submissions from 2 submitters: Uncertain significance (2). Last evaluated 2022-07-26.

Conditions:
Pyridoxal phosphate-responsive seizures (PNPOD). Also called: Pyridoxamine 5-Prime-Phosphate Oxidase Deficiency; Pyridoxine-5'-phosphate oxidase deficiency; Pyridoxal 5'-Phosphate (PLP)-Dependent Epilepsy; EPILEPTIC ENCEPHALOPATHY, NEONATAL, PNPO-RELATED; SEIZURES, PYRIDOXINE-RESISTANT, PLP-SENSITIVE. Identifiers: Orphanet 79096, MedGen C1864723, MONDO:0012407, OMIM 610090. Disease mechanism: loss of function.

Allele frequency attached by ClinVar (database versions not stated): gnomAD 0.00001; TOPMed 0.00003.
gnomAD v4.1: 10 of 1,561,882 alleles (0.00064%); highest among the groups gnomAD compares: Non-Finnish European, 0.00087%; no homozygotes.

Submissions (2):

Labcorp Genetics (formerly Invitae), Labcorp
Classification: Uncertain significance for Pyridoxal phosphate-responsive seizures. Last evaluated: 2022-07-26. Review status: criteria provided, single submitter. Criteria: Invitae Variant Classification Sherloc (09022015). Collection method: clinical testing. Allele origin: germline.
Comment: In summary, the available evidence is currently insufficient to determine the role of this variant in disease. Therefore, it has been classified as a Variant of Uncertain Significance. Algorithms developed to predict the effect of missense changes on protein structure and function output the following: SIFT: "Tolerated"; PolyPhen-2: "Benign"; Align-GVGD: "Class C0". The histidine amino acid residue is found in multiple mammalian species, which suggests that this missense change does not adversely affect protein function. ClinVar contains an entry for this variant (Variation ID: 1305230). This variant has not been reported in the literature in individuals affected with PNPO-related conditions. The frequency data for this variant in the population databases is considered unreliable, as metrics indicate poor data quality at this position in the gnomAD database. This sequence change replaces arginine, which is basic and polar, with histidine, which is basic and polar, at codon 28 of the PNPO protein (p.Arg28His).

GeneDx
Classification: Uncertain significance. Last evaluated: 2019-04-18. Review status: criteria provided, single submitter. Criteria: GeneDx Variant Classification Process June 2021. Collection method: clinical testing. Allele origin: germline. Affected: yes.
Comment: Not observed in large population cohorts (Lek et al., 2016); In silico analysis, which includes protein predictors and evolutionary conservation, supports that this variant does not alter protein structure/function; Has not been previously published as pathogenic or benign to our knowledge

NM_018129.4(PNPO):c.83G>A (p.Arg28His)

Gene: PNPO (pyridoxamine 5'-phosphate oxidase; plus strand). Cytogenetic location: 17q21.32.
Variant type: single nucleotide variant.
Coding change: c.83G>A on transcript NM_018129.4 (MANE Select); coding-DNA position 83, G replaced by A.
Protein change: p.Arg28His; replaces arginine 28 with histidine.
Molecular consequence: missense variant.
Genome position (GRCh38, 1-based): chr17:47,941,758, G>A. VCF-style: chr17-47941758-G-A. GRCh37 (hg19) VCF-style: chr17-46019124-G-A.
Other names: short protein forms R28H.
Identifiers: ClinVar variation 1305230 (VCV001305230.8), dbSNP rs866973135, ClinGen allele CA291293115.